The following is an entry in ClinVar:

ClinVar aggregate classification (germline): Uncertain significance (1 of 4 stars; one submission).

Conditions:
Inborn genetic diseases. Identifiers: MedGen C0950123, MeSH D030342.

gnomAD v4.1: 1 of 1,613,944 alleles (0.000062%); highest among the groups gnomAD compares: South Asian, 0.0011%; no homozygotes.

Submission:

Ambry Genetics
Classification: Uncertain significance for Inborn genetic diseases. Last evaluated: 2025-12-22. Review status: criteria provided, single submitter. Criteria: Ambry Variant Classification Scheme 2023. Collection method: clinical testing. Allele origin: germline.
Comment: The p.I60V variant (also known as c.178A>G), located in coding exon 1 of the G6PC3 gene, results from an A to G substitution at nucleotide position 178. The isoleucine at codon 60 is replaced by valine, an amino acid with highly similar properties. This amino acid position is conserved. In addition, this alteration is predicted to be tolerated by in silico analysis. Based on the available evidence, the clinical significance of this variant remains unclear.

NM_138387.4(G6PC3):c.178A>G (p.Ile60Val)

Genes: G6PC3 (glucose-6-phosphatase catalytic subunit 3; plus strand), LOC130060959 (ATAC-STARR-seq lymphoblastoid active region 12250; plus strand). Cytogenetic location: 17q21.31.
Variant type: single nucleotide variant.
Coding change: c.178A>G on transcript NM_138387.4 (MANE Select); coding-DNA position 178, A replaced by G.
Protein change: p.Ile60Val; replaces isoleucine 60 with valine.
Molecular consequence: missense variant. On other transcripts: 5 prime UTR variant (3), intron variant (1).
Genome position (GRCh38, 1-based): chr17:44,071,143, A>G. VCF-style: chr17-44071143-A-G. GRCh37 (hg19) VCF-style: chr17-42148511-A-G.
Other names: c.178A>G, p.Ile60Val (NM_001319945.2); c.-227A>G (NM_001384165.1); c.-362A>G (NM_001384166.1); c.-352A>G (NM_001384167.1); c.-312+429A>G (NM_001384168.1); short protein forms I60V.
Identifiers: ClinVar variation 4843957 (VCV004843957.1).